The following is an entry in ClinVar:

NM_022132.5(MCCC2):c.176G>A (p.Arg59Gln)

Gene: MCCC2 (methylcrotonyl-CoA carboxylase subunit 2; plus strand). Cytogenetic location: 5q13.2.
Variant type: single nucleotide variant.
Coding change: c.176G>A on transcript NM_022132.5 (MANE Select); coding-DNA position 176, G replaced by A.
Protein change: p.Arg59Gln; replaces arginine 59 with glutamine.
Molecular consequence: missense variant.
Genome position (GRCh38, 1-based): chr5:71,592,972, G>A. VCF-style: chr5-71592972-G-A. GRCh37 (hg19) VCF-style: chr5-70888799-G-A.
Other names: c.176G>A, p.Arg59Gln (NM_001363147.1); short protein forms R59Q.
Identifiers: ClinVar variation 1707502 (VCV001707502.1), dbSNP rs764951606, ClinGen allele CA3297681.

ClinVar aggregate classification (germline): Uncertain significance (1 of 4 stars; one submission).

Conditions:
3-methylcrotonyl-CoA carboxylase 2 deficiency. Also called: METHYLCROTONYLGLYCINURIA, TYPE II; 3 alpha methylcrotonyl-CoA carboxylase 2 deficiency; 3 alpha methylcrotonylglycinuria 2; MCC 2 deficiency; Methylcrotonylglycinuria type 2. Identifiers: Orphanet 6, MedGen C1859499, MONDO:0008862, OMIM 210210.

Allele frequency attached by ClinVar (database versions not stated): ExAC 0.00001; gnomAD exomes 0.00001; TOPMed 0.00002; gnomAD 0.00003.

Submission:

Institute of Human Genetics, University of Leipzig Medical Center
Classification: Uncertain significance for 3-methylcrotonyl-CoA carboxylase 2 deficiency. Last evaluated: 2022-07-29. Review status: criteria provided, single submitter. Criteria: ACMG Guidelines, 2015. Collection method: clinical testing. Allele origin: biparental. Affected: yes.
Comment: This variant was identified as homozygous._x000D_ Criteria applied: PM2_SUP, PM3_SUP